The following is an entry in ClinVar:

ClinVar aggregate classification (germline): Uncertain significance (1 of 4 stars; one submission).

Conditions:
Cardiovascular phenotype. Identifiers: MedGen CN230736.

Submission:

Ambry Genetics
Classification: Uncertain significance for Cardiovascular phenotype. Last evaluated: 2025-04-10. Review status: criteria provided, single submitter. Criteria: Ambry Variant Classification Scheme 2023. Collection method: clinical testing. Allele origin: germline.
Comment: The p.K127T variant (also known as c.380A>C), located in coding exon 5 of the TXNRD2 gene, results from an A to C substitution at nucleotide position 380. The lysine at codon 127 is replaced by threonine, an amino acid with similar properties. This amino acid position is conserved. In addition, this alteration is predicted to be tolerated by in silico analysis. Based on the available evidence, the clinical significance of this variant remains unclear.

NM_006440.5(TXNRD2):c.380A>C (p.Lys127Thr)

Gene: TXNRD2 (thioredoxin reductase 2; minus strand). Cytogenetic location: 22q11.21.
Variant type: single nucleotide variant.
Coding change: c.380A>C on transcript NM_006440.5 (MANE Select); coding-DNA position 380, A replaced by C.
Protein change: p.Lys127Thr; replaces lysine 127 with threonine.
Molecular consequence: missense variant. On other transcripts: non-coding transcript variant (1).
Genome position (GRCh38, 1-based): chr22:19,918,212, T>G on the plus strand (A>C on the coding strand, the complement: TXNRD2 is on the minus strand). VCF-style: chr22-19918212-T-G. GRCh37 (hg19) VCF-style: chr22-19905735-T-G.
Other names: c.380A>C, p.Lys127Thr (NM_001282512.3); c.377A>C, p.Lys126Thr (NM_001352300.2); c.290A>C, p.Lys97Thr (NM_001352301.2); c.92A>C, p.Lys31Thr (NM_001352302.2); c.284A>C, p.Lys95Thr (NM_001352303.2); short protein forms K127T, K97T, K126T, K31T, K95T.
Identifiers: ClinVar variation 3976393 (VCV003976393.1).